The following is an entry in ClinVar:

ClinVar aggregate classification (germline): Uncertain significance. Review status: criteria provided, multiple submitters, no conflicts (2 of 4 stars). 2 submissions from 2 submitters: Uncertain significance (2). Last evaluated 2024-03-20.

Conditions:
Hereditary cancer-predisposing syndrome. Also called: Neoplastic Syndromes, Hereditary; Hereditary neoplastic syndrome; Hereditary Cancer Syndrome; Tumor predisposition. Identifiers: Orphanet 140162, MedGen C0027672, MeSH D009386, MONDO:0015356.
Gorlin syndrome. Also called: Nevoid Basal Cell Carcinoma Syndrome; Basal cell nevus syndrome. Identifiers: Orphanet 377, MedGen C0004779, MONDO:0007187.

gnomAD v4.1: 1 of 1,614,144 alleles (0.000062%); highest among the groups gnomAD compares: Non-Finnish European, 0.000085%; no homozygotes.

Submissions (2):

Ambry Genetics
Classification: Uncertain significance for Hereditary cancer-predisposing syndrome. Last evaluated: 2024-03-20. Review status: criteria provided, single submitter. Criteria: Ambry Variant Classification Scheme 2023. Collection method: clinical testing. Allele origin: germline.
Comment: The c.1067+5G>T intronic variant results from a G to T substitution 5 nucleotides after coding exon 7 in the PTCH1 gene. This nucleotide position is poorly conserved in available vertebrate species. In silico splice site analysis predicts that this alteration will not have any significant effect on splicing. Since supporting evidence is limited at this time, the clinical significance of this alteration remains unclear.

Labcorp Genetics (formerly Invitae), Labcorp
Classification: Uncertain significance for Gorlin syndrome. Last evaluated: 2023-07-10. Review status: criteria provided, single submitter. Criteria: Invitae Variant Classification Sherloc (09022015). Collection method: clinical testing. Allele origin: germline.
Comment: This sequence change falls in intron 7 of the PTCH1 gene. It does not directly change the encoded amino acid sequence of the PTCH1 protein. It affects a nucleotide within the consensus splice site. This variant is not present in population databases (gnomAD no frequency). In summary, the available evidence is currently insufficient to determine the role of this variant in disease. Therefore, it has been classified as a Variant of Uncertain Significance. Variants that disrupt the consensus splice site are a relatively common cause of aberrant splicing (PMID: 17576681, 9536098). Algorithms developed to predict the effect of sequence changes on RNA splicing suggest that this variant is not likely to affect RNA splicing. ClinVar contains an entry for this variant (Variation ID: 945972). This variant has not been reported in the literature in individuals affected with PTCH1-related conditions.

Literature cited by the submitters: PubMed 17576681 (cited by Labcorp Genetics (formerly Invitae), Labcorp); PubMed 9536098 (cited by Labcorp Genetics (formerly Invitae), Labcorp).

NM_000264.5(PTCH1):c.1067+5G>T

Gene: PTCH1 (patched 1; minus strand). Cytogenetic location: 9q22.32.
Variant type: single nucleotide variant.
Coding change: c.1067+5G>T on transcript NM_000264.5 (MANE Select); 5 bases into the intron after coding-DNA position 1067, G replaced by T.
Molecular consequence: intron variant.
Genome position (GRCh38, 1-based): chr9:95,479,964, C>A on the plus strand (G>T on the coding strand, the complement: PTCH1 is on the minus strand). VCF-style: chr9-95479964-C-A. GRCh37 (hg19) VCF-style: chr9-98242246-C-A.
Other names: c.1064+5G>T (NM_001083603.3); c.869+5G>T (NM_001083602.3); c.1067+5G>T (NM_001354918.2); c.614+5G>T (NM_001083605.3, NM_001083604.3, NM_001083606.3 and 1 more transcripts).
Identifiers: ClinVar variation 945972 (VCV000945972.11), dbSNP rs372657547, ClinGen allele CA1139659375.